The following is an entry in ClinVar:

ClinVar aggregate classification (germline): Likely pathogenic (1 of 4 stars; one submission).

Submission:

Athena Diagnostics
Classification: Likely pathogenic. Last evaluated: 2024-02-27. Review status: criteria provided, single submitter. Criteria: Athena Diagnostics Criteria. Collection method: clinical testing. Allele origin: unknown.
Comment: This variant is expected to result in the loss of a functional protein. This variant has not been reported in large, multi-ethnic general populations.

NM_182961.4(SYNE1):c.3274dup (p.Asp1092fs)

Gene: SYNE1 (spectrin repeat containing nuclear envelope protein 1; minus strand). Cytogenetic location: 6q25.2.
Variant type: Duplication.
Coding change: c.3274dup on transcript NM_182961.4 (MANE Select); coding-DNA position 3274, one base duplicated (G; older notation c.3274dupG).
Protein change: p.Asp1092fs; shifts the reading frame from aspartic acid 1092.
Molecular consequence: frameshift variant.
Genome position (GRCh38, 1-based): chr6:152,450,746, C duplicated on the plus strand (G on the coding strand, the reverse complement: SYNE1 is on the minus strand); the first of 3 consecutive C bases (chr6:152,450,746-152,450,748); duplicating any one gives the same sequence. VCF-style (leftmost placement, unchanged base first): chr6-152450745-T-TC. GRCh37 (hg19) VCF-style: chr6-152771880-T-TC.
Other names: c.3295dup, p.Asp1099fs (NM_033071.5); short protein forms D1099fs, D1092fs.
Identifiers: ClinVar variation 3571996 (VCV003571996.1).